The following is an entry in ClinVar:

NM_130839.5(UBE3A):c.1157A>G (p.Asp386Gly)

Genes: SNHG14 (small nucleolar RNA host gene 14; plus strand), UBE3A (ubiquitin protein ligase E3A; minus strand). Cytogenetic location: 15q11.2.
Variant type: single nucleotide variant.
Coding change: c.1157A>G on transcript NM_130839.5 (MANE Select); coding-DNA position 1157, A replaced by G.
Protein change: p.Asp386Gly; replaces aspartic acid 386 with glycine.
Molecular consequence: missense variant. On other transcripts: non-coding transcript variant (1), intron variant (2).
Genome position (GRCh38, 1-based): chr15:25,371,017, T>C on the plus strand (A>G on the coding strand, the complement: UBE3A is on the minus strand). VCF-style: chr15-25371017-T-C. GRCh37 (hg19) VCF-style: chr15-25616164-T-C.
Other names: c.1166A>G, p.Asp389Gly (NM_000462.5); c.1157A>G, p.Asp386Gly (NM_001354505.1, NM_001354538.2, NM_001354545.2); c.1097A>G, p.Asp366Gly (NM_001354506.2, NM_001354507.2, NM_001354508.2 and 17 more transcripts); c.301+4448A>G (NM_001354551.2); c.361+4448A>G (NM_001354550.2); c.980A>G, p.Asp327Gly (NM_001354546.2); short protein forms D327G, D386G, D366G, D389G.
Identifiers: ClinVar variation 1519215 (VCV001519215.6), dbSNP rs779940531, ClinGen allele CA391354232.

ClinVar aggregate classification (germline): Uncertain significance (1 of 4 stars; one submission).

Conditions:
Angelman syndrome (AS). Also called: HAPPY PUPPET SYNDROME. Identifiers: Orphanet 72, MedGen C0162635, MONDO:0007113, OMIM 105830. Disease mechanism: loss of function. Inheritance: AS is caused by disruption of maternally imprinted UBE3A located within the 15q11.2-q13 Angelman syndrome/Prader-Willi syndrome (AS/PWS) region., imprinting disorder.

Submission:

Labcorp Genetics (formerly Invitae), Labcorp
Classification: Uncertain significance for Angelman syndrome. Last evaluated: 2024-05-06. Review status: criteria provided, single submitter. Criteria: Invitae Variant Classification Sherloc (09022015). Collection method: clinical testing. Allele origin: germline.
Comment: This sequence change replaces aspartic acid with glycine at codon 366 of the UBE3A protein (p.Asp366Gly). The aspartic acid residue is moderately conserved and there is a moderate physicochemical difference between aspartic acid and glycine. This variant is not present in population databases (gnomAD no frequency). This variant has not been reported in the literature in individuals affected with UBE3A-related conditions. ClinVar contains an entry for this variant (Variation ID: 1519215). Advanced modeling of protein sequence and biophysical properties (such as structural, functional, and spatial information, amino acid conservation, physicochemical variation, residue mobility, and thermodynamic stability) performed at Invitae indicates that this missense variant is expected to disrupt UBE3A protein function with a positive predictive value of 80%. In summary, the available evidence is currently insufficient to determine the role of this variant in disease. Therefore, it has been classified as a Variant of Uncertain Significance.